The following is an entry in ClinVar:

NM_000093.5(COL5A1):c.3762del (p.Gly1255fs)

Gene: COL5A1 (collagen type V alpha 1 chain; plus strand). Cytogenetic location: 9q34.3.
Variant type: Deletion.
Coding change: c.3762del on transcript NM_000093.5 (MANE Select); coding-DNA position 3762, one base deleted (T; older notation c.3762delT).
Protein change: p.Gly1255fs; shifts the reading frame from glycine 1255.
Molecular consequence: frameshift variant.
Genome position (GRCh38, 1-based): chr9:134,812,622, T deleted. VCF-style (leftmost placement, unchanged base first): chr9-134812621-CT-C. GRCh37 (hg19) VCF-style: chr9-137704467-CT-C.
Other names: c.3762del, p.Gly1255fs (NM_001278074.1); short protein forms G1255fs.
Identifiers: ClinVar variation 374262 (VCV000374262.6), dbSNP rs1057518653, ClinGen allele CA16043670.

ClinVar aggregate classification (germline): Pathogenic. Review status: criteria provided, single submitter (1 of 4 stars). 2 submissions from 2 submitters: Pathogenic (1). 1 of the submissions does not count toward it. Last evaluated 2022-09-01.

Conditions:
Familial thoracic aortic aneurysm and aortic dissection (TAAD). Also called: Thoracic aortic aneurysms and dissections. Identifiers: Orphanet 91387, MedGen C4707243, MONDO:0019625.
Ehlers-Danlos syndrome, classic type (cEDS). Identifiers: Orphanet 287, MedGen C4225429, MONDO:0007522.

Submissions (2):

Ambry Genetics
Classification: Pathogenic for Familial thoracic aortic aneurysm and aortic dissection. Last evaluated: 2022-09-01. Review status: criteria provided, single submitter. Criteria: Ambry Variant Classification Scheme 2023. Collection method: clinical testing. Allele origin: germline.
Comment: The c.3762delT pathogenic mutation, located in coding exon 48 of the COL5A1 gene, results from a deletion of one nucleotide at nucleotide position 3762, causing a translational frameshift with a predicted alternate stop codon (p.G1255Afs*21). This alteration has been reported in a whole exome sequencing cohort (Posey JE et al. N Engl J Med, 2017 01;376:21-31). This variant is considered to be rare based on population cohorts in the Genome Aggregation Database (gnomAD). This alteration is expected to result in loss of function by premature protein truncation or nonsense-mediated mRNA decay. As such, this alteration is interpreted as a disease-causing mutation.

Baylor Genetics
Classification: Pathogenic for Ehlers-Danlos syndrome, classic type, 1. Last evaluated: 2014-02-14. Review status: no assertion criteria provided. Collection method: clinical testing. Allele origin: germline. Inheritance: Autosomal dominant inheritance. Affected: yes. Observed: 1 variant allele, 1 heterozygote. Not counted in ClinVar's aggregate classification.
Comment: The COL5A1 variant is predicted to cause a nonsense mutation and is categorized as deleterious by ACMGG guidelines [PMID: 18414213].

Literature cited by the submitters: PubMed 27959697 (cited by Ambry Genetics).